The following is an entry in ClinVar:

ClinVar aggregate classification (germline): Uncertain significance (1 of 4 stars; one submission).

Conditions:
Glanzmann thrombasthenia. Also called: Glanzmann's thrombasthenia; BLEEDING DISORDER, PLATELET-TYPE, 2; THROMBASTHENIA OF GLANZMANN AND NAEGELI; Thrombasthenia; PLATELET GLYCOPROTEIN IIb-IIIa DEFICIENCY. Identifiers: Orphanet 849, MedGen C0040015, MONDO:0100326.

gnomAD v4.1: 6 of 1,610,880 alleles (0.00037%); highest among the groups gnomAD compares: Non-Finnish European, 0.00051%; no homozygotes.

Submission:

Labcorp Genetics (formerly Invitae), Labcorp
Classification: Uncertain significance for Glanzmann thrombasthenia. Last evaluated: 2024-09-24. Review status: criteria provided, single submitter. Criteria: Invitae Variant Classification Sherloc (09022015). Collection method: clinical testing. Allele origin: germline.
Comment: This sequence change replaces alanine, which is neutral and non-polar, with threonine, which is neutral and polar, at codon 370 of the ITGA2B protein (p.Ala370Thr). This variant is not present in population databases (gnomAD no frequency). This variant has not been reported in the literature in individuals affected with ITGA2B-related conditions. An algorithm developed to predict the effect of missense changes on protein structure and function outputs the following: PolyPhen-2: "Benign". The threonine amino acid residue is found in multiple mammalian species, which suggests that this missense change does not adversely affect protein function. In summary, the available evidence is currently insufficient to determine the role of this variant in disease. Therefore, it has been classified as a Variant of Uncertain Significance.

NM_000419.5(ITGA2B):c.1108G>A (p.Ala370Thr)

Gene: ITGA2B (integrin subunit alpha 2b; minus strand). Cytogenetic location: 17q21.31.
Variant type: single nucleotide variant.
Coding change: c.1108G>A on transcript NM_000419.5 (MANE Select); coding-DNA position 1108, G replaced by A.
Protein change: p.Ala370Thr; replaces alanine 370 with threonine.
Molecular consequence: missense variant.
Genome position (GRCh38, 1-based): chr17:44,383,595, C>T on the plus strand (G>A on the coding strand, the complement: ITGA2B is on the minus strand). VCF-style: chr17-44383595-C-T. GRCh37 (hg19) VCF-style: chr17-42460963-C-T.
Other names: short protein forms A370T.
Identifiers: ClinVar variation 3715374 (VCV003715374.2).